The following is an entry in ClinVar:

ClinVar aggregate classification (germline): Pathogenic (1 of 4 stars; one submission).

Conditions:
Cardiovascular phenotype. Identifiers: MedGen CN230736.
Hereditary cancer-predisposing syndrome. Also called: Neoplastic Syndromes, Hereditary; Tumor predisposition; Hereditary Cancer Syndrome; Hereditary neoplastic syndrome. Identifiers: Orphanet 140162, MedGen C0027672, MeSH D009386, MONDO:0015356.

Submission:

Ambry Genetics
Classification: Pathogenic for Cardiovascular phenotype; Hereditary cancer-predisposing syndrome. Last evaluated: 2025-09-10. Review status: criteria provided, single submitter. Criteria: Ambry Variant Classification Scheme 2023. Collection method: clinical testing. Allele origin: germline.
Comment: The c.594delG pathogenic mutation, located in coding exon 7 of the LZTR1 gene, results from a deletion of one nucleotide at nucleotide position 594, causing a translational frameshift with a predicted alternate stop codon (p.R198Sfs*2). This alteration is expected to result in loss of function by premature protein truncation or nonsense-mediated mRNA decay. However, this change occurs in the first base pair of coding exon 7, which means it may have some effect on normal mRNA splicing. This nucleotide position is well conserved in available vertebrate species. In silico splice site analysis predicts that this alteration will weaken the native splice acceptor site and may result in the creation or strengthening of a novel splice acceptor site. RNA studies have demonstrated that this alteration results in incomplete abnormal splicing in the set of samples tested (Ambry internal data). Loss-of-function variants in LZTR1 are related to an increased risk for schwannomas and autosomal recessive Noonan syndrome; however, such associations with autosomal dominant Noonan syndrome have not been observed (Piotrowski A et al. Nat Genet. 2014 Feb;46:182-7; Yamamoto GL et al. J Med Genet. 2015 Jun;52:413-21; Johnston JJ et al. Genet Med. 2018 10;20:1175-1185). Based on the supporting evidence, this variant is pathogenic for an increased risk of LZTR1-related schwannomatosis (SWN) and would be expected to cause autosomal recessive Noonan syndrome when present along with a second pathogenic or likely pathogenic variant on the other allele; however, the association of this alteration with autosomal dominant Noonan syndrome is unlikely.

NM_006767.3(LZTR1):c.594delG

Gene: LZTR1 (leucine zipper like post translational regulator 1; plus strand). Cytogenetic location: 22q11.21.
Variant type: Deletion.
Coding change: c.594delG on transcript NM_006767.3; coding-DNA position 594, one base deleted (G).
Genome position (GRCh38, 1-based): chr22:20,989,625, G deleted; the last of 2 consecutive G bases (chr22:20,989,624-20,989,625); deleting either gives the same sequence. VCF-style (leftmost placement, unchanged base first): chr22-20989623-AG-A. GRCh37 (hg19) VCF-style: chr22-21343912-AG-A.
Identifiers: ClinVar variation 3869337 (VCV003869337.2).